The following is an entry in ClinVar:

NM_003690.5(PRKRA):c.1A>C (p.Met1Leu)

Gene: PRKRA (protein activator of interferon induced protein kinase EIF2AK2; minus strand). Cytogenetic location: 2q31.2.
Variant type: single nucleotide variant.
Coding change: c.1A>C on transcript NM_003690.5 (MANE Select); coding-DNA position 1, A replaced by C.
Protein change: p.Met1Leu; changes the start codon (methionine 1).
Molecular consequence: missense variant, initiator codon variant. On other transcripts: 5 prime UTR variant (1).
Genome position (GRCh38, 1-based): chr2:178,451,030, T>G on the plus strand (A>C on the coding strand, the complement: PRKRA is on the minus strand). VCF-style: chr2-178451030-T-G. GRCh37 (hg19) VCF-style: chr2-179315757-T-G.
Other names: c.-449A>C (NM_001316362.2); short protein forms M1L.
Identifiers: ClinVar variation 332635 (VCV000332635.23), dbSNP rs9406386, ClinGen allele CA1984093.

ClinVar aggregate classification (germline): Benign/Likely benign. Review status: criteria provided, multiple submitters, no conflicts (2 of 4 stars). 8 submissions from 8 submitters: Benign (7); Likely benign (1). Last evaluated 2024-11-26.

Conditions:
Dystonia 16 (DYT16). Also called: DYT-PRKRA. Identifiers: Orphanet 210571, MedGen C2677567, MONDO:0012789, OMIM 612067.

Allele frequency attached by ClinVar (database versions not stated): gnomAD 0.04659 and 0.04725; 1000 Genomes Project 30x 0.11337; gnomAD exomes 0.13385 and 0.25697; ExAC 0.46235.

Submissions (8):

Blueprint Genetics
Classification: Benign. Last evaluated: 2024-11-26. Review status: criteria provided, single submitter. Criteria: ACMG Guidelines, 2015. Collection method: clinical testing. Allele origin: germline.

Mayo Clinic Laboratories, Mayo Clinic
Classification: Benign. Last evaluated: 2023-01-06. Review status: criteria provided, single submitter. Criteria: ACMG Guidelines, 2015. Collection method: clinical testing. Allele origin: germline. Observed: 213 variant alleles.
Comment: BA1

Labcorp Genetics (formerly Invitae), Labcorp
Classification: Benign for Dystonia 16. Last evaluated: 2020-07-09. Review status: criteria provided, single submitter. Criteria: Invitae Variant Classification Sherloc (09022015). Collection method: clinical testing. Allele origin: germline.

Mendelics
Classification: Benign for Dystonia 16. Last evaluated: 2019-05-28. Review status: criteria provided, single submitter. Criteria: Mendelics Assertion Criteria 2017. Collection method: clinical testing. Allele origin: unknown.

GeneDx
Classification: Benign. Last evaluated: 2018-07-09. Review status: criteria provided, single submitter. Criteria: GeneDx Variant Classification Process June 2021. Collection method: clinical testing. Allele origin: germline. Affected: yes.

Illumina Laboratory Services, Illumina
Classification: Benign for Dystonia 16. Last evaluated: 2018-01-13. Review status: criteria provided, single submitter. Criteria: ICSL Variant Classification Criteria 13 December 2019. Collection method: clinical testing. Allele origin: germline.
Comment: This variant was observed in the ICSL laboratory as part of a predisposition screen in an ostensibly healthy population. It had not been previously curated by ICSL or reported in the Human Gene Mutation Database (HGMD: prior to June 1st, 2018), and was therefore a candidate for classification through an automated scoring system. Utilizing variant allele frequency, disease prevalence and penetrance estimates, and inheritance mode, an automated score was calculated to assess if this variant is too frequent to cause the disease. Based on the score and internal cut-off values, a variant classified as benign is not then subjected to further curation. The score for this variant resulted in a classification of benign for this disease.

Laboratory for Molecular Medicine, Mass General Brigham Personalized Medicine
Classification: Benign. Last evaluated: 2016-03-28. Review status: criteria provided, single submitter. Criteria: LMM Criteria. Collection method: clinical testing. Allele origin: germline.
Comment: Variant identified in a genome or exome case(s) and assessed due to predicted null impact of the variant or pathogenic assertions in the literature or databases. Disclaimer: This variant has not undergone full assessment. The following are preliminary notes: Frequency in 1000Genomes: 354/2178=16.25%

Breakthrough Genomics
Classification: Likely benign. Review status: criteria provided, single submitter. Criteria: ACMG Guidelines, 2015. Collection method: not provided. Allele origin: germline. Inheritance: Autosomal recessive inheritance. Affected: yes.